The following is an entry in ClinVar:

ClinVar aggregate classification (germline): Uncertain significance. Review status: criteria provided, multiple submitters, no conflicts (2 of 4 stars). 4 submissions from 4 submitters: Uncertain significance (4). Last evaluated 2025-05-24.

Conditions:
Hereditary cancer-predisposing syndrome. Also called: Tumor predisposition; Hereditary Cancer Syndrome; Neoplastic Syndromes, Hereditary; Hereditary neoplastic syndrome. Identifiers: Orphanet 140162, MedGen C0027672, MeSH D009386, MONDO:0015356.
Familial adenomatous polyposis 1 (FAP1). Also called: FAMILIAL ADENOMATOUS POLYPOSIS 1, ATTENUATED; POLYPOSIS, ADENOMATOUS INTESTINAL. Identifiers: MedGen C2713442, MONDO:0021056, OMIM 175100. Disease mechanism: loss of function.

Submissions (4):

Quest Diagnostics Nichols Institute San Juan Capistrano
Classification: Uncertain significance. Last evaluated: 2025-05-24. Review status: criteria provided, single submitter. Criteria: Quest Diagnostics criteria. Collection method: clinical testing. Allele origin: unknown.
Comment: The APC c.2816A>G (p.Lys939Arg) variant has not been reported in individuals with APC-related conditions in the published literature. It also has not been reported in large, multi-ethnic general populations (Genome Aggregation Database). Analysis of this variant using bioinformatics tools for the prediction of the effect of amino acid changes on protein structure and function yielded inconclusive predictions. Based on the available information, we are unable to determine the clinical significance of this variant.

Ambry Genetics
Classification: Uncertain significance for Hereditary cancer-predisposing syndrome. Last evaluated: 2024-06-04. Review status: criteria provided, single submitter. Criteria: Ambry Variant Classification Scheme 2023. Collection method: clinical testing. Allele origin: germline.
Comment: The p.K939R variant (also known as c.2816A>G), located in coding exon 15 of the APC gene, results from an A to G substitution at nucleotide position 2816. The lysine at codon 939 is replaced by arginine, an amino acid with highly similar properties. This amino acid position is well conserved in available vertebrate species. In addition, in silico predictors for this gene do not accurately predict pathogenicity. Missense alterations in APC are not a common cause of disease (Spier I et al. Genet Med. 2024 Feb;26(2):100992). Based on the available evidence, the clinical significance of this variant remains unclear.

Color Diagnostics, LLC DBA Color Health
Classification: Uncertain significance for Hereditary cancer-predisposing syndrome. Last evaluated: 2023-12-05. Review status: criteria provided, single submitter. Criteria: ACMG Guidelines, 2015. Collection method: clinical testing. Allele origin: germline.
Comment: This missense variant replaces lysine with arginine at codon 939 of the APC protein. Computational prediction suggests that this variant may not impact protein structure and function (internally defined REVEL score threshold <= 0.5, PMID: 27666373). To our knowledge, functional studies have not been reported for this variant. This variant has not been reported in individuals affected with APC-related disorders in the literature. This variant has not been identified in the general population by the Genome Aggregation Database (gnomAD). The available evidence is insufficient to determine the role of this variant in disease conclusively. Therefore, this variant is classified as a Variant of Uncertain Significance.

Labcorp Genetics (formerly Invitae), Labcorp
Classification: Uncertain significance for Familial adenomatous polyposis 1. Last evaluated: 2023-08-02. Review status: criteria provided, single submitter. Criteria: Invitae Variant Classification Sherloc (09022015). Collection method: clinical testing. Allele origin: germline.
Comment: In summary, the available evidence is currently insufficient to determine the role of this variant in disease. Therefore, it has been classified as a Variant of Uncertain Significance. Advanced modeling of protein sequence and biophysical properties (such as structural, functional, and spatial information, amino acid conservation, physicochemical variation, residue mobility, and thermodynamic stability) performed at Invitae indicates that this missense variant is not expected to disrupt APC protein function. ClinVar contains an entry for this variant (Variation ID: 821845). This variant has not been reported in the literature in individuals affected with APC-related conditions. This variant is not present in population databases (gnomAD no frequency). This sequence change replaces lysine, which is basic and polar, with arginine, which is basic and polar, at codon 939 of the APC protein (p.Lys939Arg).

NM_000038.6(APC):c.2816A>G (p.Lys939Arg)

Gene: APC (APC regulator of Wnt signaling pathway; plus strand). Cytogenetic location: 5q22.2.
Variant type: single nucleotide variant.
Coding change: c.2816A>G on transcript NM_000038.6 (MANE Select); coding-DNA position 2816, A replaced by G.
Protein change: p.Lys939Arg; replaces lysine 939 with arginine.
Molecular consequence: missense variant.
Genome position (GRCh38, 1-based): chr5:112,838,410, A>G. VCF-style: chr5-112838410-A-G. GRCh37 (hg19) VCF-style: chr5-112174107-A-G.
Other names: c.2816A>G, p.Lys939Arg (NM_001354895.2, NM_001127510.3); c.2870A>G, p.Lys957Arg (NM_001354896.2); c.2846A>G, p.Lys949Arg (NM_001354897.2); c.2741A>G, p.Lys914Arg (NM_001354898.2); c.2732A>G, p.Lys911Arg (NM_001354899.2); c.2693A>G, p.Lys898Arg (NM_001354900.2); c.2639A>G, p.Lys880Arg (NM_001354901.2); c.2543A>G, p.Lys848Arg (NM_001354902.2); and 5 more; short protein forms K813R, K949R, K880R, K898R, K914R, K656R, K838R, K848R.
Identifiers: ClinVar variation 821845 (VCV000821845.16), dbSNP rs746315255, ClinGen allele CA16027472.